The following is an entry in ClinVar:

ClinVar aggregate classification (germline): Uncertain significance (1 of 4 stars; one submission).

gnomAD v4.1: 4 of 1,614,076 alleles (0.00025%); highest among the groups gnomAD compares: Admixed American, 0.0067%; no homozygotes.

Submission:

Labcorp Genetics (formerly Invitae), Labcorp
Classification: Uncertain significance. Last evaluated: 2024-03-24. Review status: criteria provided, single submitter. Criteria: Invitae Variant Classification Sherloc (09022015). Collection method: clinical testing. Allele origin: germline.
Comment: This sequence change replaces lysine, which is basic and polar, with arginine, which is basic and polar, at codon 162 of the TRIP13 protein (p.Lys162Arg). This variant is present in population databases (no rsID available, gnomAD 0.006%). This variant has not been reported in the literature in individuals affected with TRIP13-related conditions. Algorithms developed to predict the effect of missense changes on protein structure and function output the following: SIFT: "Not Available"; PolyPhen-2: "Benign"; Align-GVGD: "Not Available". The arginine amino acid residue is found in multiple mammalian species, which suggests that this missense change does not adversely affect protein function. Algorithms developed to predict the effect of sequence changes on RNA splicing suggest that this variant may disrupt the consensus splice site. In summary, the available evidence is currently insufficient to determine the role of this variant in disease. Therefore, it has been classified as a Variant of Uncertain Significance.

NM_004237.4(TRIP13):c.485A>G (p.Lys162Arg)

Gene: TRIP13 (thyroid hormone receptor interactor 13; plus strand). Cytogenetic location: 5p15.33.
Variant type: single nucleotide variant.
Coding change: c.485A>G on transcript NM_004237.4 (MANE Select); coding-DNA position 485, A replaced by G.
Protein change: p.Lys162Arg; replaces lysine 162 with arginine.
Molecular consequence: missense variant.
Genome position (GRCh38, 1-based): chr5:901,381, A>G. VCF-style: chr5-901381-A-G. GRCh37 (hg19) VCF-style: chr5-901496-A-G.
Other names: c.485A>G, p.Lys162Arg (NM_001166260.2); short protein forms K162R.
Identifiers: ClinVar variation 3690826 (VCV003690826.2).
Genomic context (GRCh38, chr5:901,381, plus strand): 5'-CTTTTCTTTTTCTCTATCAGCTCCTCGATTATGTGATGACAACTTTACTGTTTTCAGACA[A>G]GAACGTCAACAGCAACCTCATCACCTGGAACCGGGTGGTGCTGCTCCACGGTAAATTATG-3'
Protein context (NP_004228.1, residues 152-172): YVMTTLLFSD[Lys162Arg]NVNSNLITWN